The following is an entry in ClinVar:

NM_001127208.3(TET2):c.1436G>A (p.Arg479Lys)

Genes: TET2 (tet methylcytosine dioxygenase 2; plus strand), TET2-AS1 (TET2 antisense RNA 1; minus strand). Cytogenetic location: 4q24.
Variant type: single nucleotide variant.
Coding change: c.1436G>A on transcript NM_001127208.3 (MANE Select); coding-DNA position 1436, G replaced by A.
Protein change: p.Arg479Lys; replaces arginine 479 with lysine.
Molecular consequence: missense variant.
Genome position (GRCh38, 1-based): chr4:105,235,378, G>A. VCF-style: chr4-105235378-G-A. GRCh37 (hg19) VCF-style: chr4-106156535-G-A.
Other names: c.1436G>A, p.Arg479Lys (NM_017628.4); short protein forms R479K.
Identifiers: ClinVar variation 2028049 (VCV002028049.4), dbSNP rs2476489826, ClinGen allele CA357794767.

ClinVar aggregate classification (germline): Uncertain significance (1 of 4 stars; one submission).

Submission:

Labcorp Genetics (formerly Invitae), Labcorp
Classification: Uncertain significance. Last evaluated: 2022-08-31. Review status: criteria provided, single submitter. Criteria: Invitae Variant Classification Sherloc (09022015). Collection method: clinical testing. Allele origin: germline.
Comment: Algorithms developed to predict the effect of missense changes on protein structure and function output the following: SIFT: "Tolerated"; PolyPhen-2: "Benign"; Align-GVGD: "Class C0". The lysine amino acid residue is found in multiple mammalian species, which suggests that this missense change does not adversely affect protein function. This sequence change replaces arginine, which is basic and polar, with lysine, which is basic and polar, at codon 479 of the TET2 protein (p.Arg479Lys). This variant is not present in population databases (gnomAD no frequency). This variant has not been reported in the literature in individuals affected with TET2-related conditions. In summary, the available evidence is currently insufficient to determine the role of this variant in disease. Therefore, it has been classified as a Variant of Uncertain Significance.